The following is an entry in ClinVar:

ClinVar aggregate classification (germline): Likely pathogenic (1 of 4 stars; one submission).

Allele frequency attached by ClinVar (database versions not stated): gnomAD exomes below 0.00001.
gnomAD v4.1: 1 of 1,614,218 alleles (0.000062%); highest among the groups gnomAD compares: East Asian, 0.0022%; no homozygotes.

Submission:

GeneDx
Classification: Likely pathogenic. Last evaluated: 2015-09-08. Review status: criteria provided, single submitter. Criteria: GeneDx Variant Classification (06012015). Collection method: clinical testing. Allele origin: germline. Affected: yes.
Comment: The Q191R variant in the SERPINC1 gene has not been published as a pathogenic variant, nor has it been reported as a benign polymorphism to our knowledge. The Q191R variant was not observed in approximately 6,500 individuals of European and African American ancestry in the NHLBI Exome Sequencing Project, indicating it is not a common benign variant in these populations. The Q191R variant is a semi-conservative amino acid substitution, which may impact secondary protein structure as these residues differ in some properties. This substitution occurs at a position that is conserved across species. In silico analysis is inconsistent in its predictions as to whether or not the variant is damaging to the protein structure/function. Missense variants in nearby residues (Y190S, Y190C, S194R, Y198H, Y198C) have been reported in the Human Gene Mutation Database in association with antithrombin deficiency (Stenson et al., 2014), supporting the functional importance of this region of the protein. The Q191R variant is a strong candidate for a disease-causing variant, however, the possibility it may be a rare benign variant cannot be excluded.

NM_000488.4(SERPINC1):c.572A>G (p.Gln191Arg)

Gene: SERPINC1 (serpin family C member 1; minus strand). Cytogenetic location: 1q25.1.
Variant type: single nucleotide variant.
Coding change: c.572A>G on transcript NM_000488.4 (MANE Select); coding-DNA position 572, A replaced by G.
Protein change: p.Gln191Arg; replaces glutamine 191 with arginine.
Molecular consequence: missense variant. On other transcripts: intron variant (1).
Genome position (GRCh38, 1-based): chr1:173,911,851, T>C on the plus strand (A>G on the coding strand, the complement: SERPINC1 is on the minus strand). VCF-style: chr1-173911851-T-C. GRCh37 (hg19) VCF-style: chr1-173880989-T-C.
Other names: c.428A>G, p.Gln143Arg (NM_001365052.2); c.572A>G, p.Gln191Arg (NM_001386302.1, NM_001386304.1, NM_001386305.1); c.653A>G, p.Gln218Arg (NM_001386303.1); c.409-960A>G (NM_001386306.1); short protein forms Q191R, Q143R, Q218R.
Identifiers: ClinVar variation 429526 (VCV000429526.2), dbSNP rs1131691435, ClinGen allele CA343776322.